The following is an entry in ClinVar:

ClinVar aggregate classification (germline): Likely pathogenic (1 of 4 stars; one submission).

Submission:

GeneDx
Classification: Likely pathogenic. Last evaluated: 2023-08-24. Review status: criteria provided, single submitter. Criteria: GeneDx Variant Classification Process June 2021. Collection method: clinical testing. Allele origin: germline. Affected: yes.
Comment: Nonsense variant predicted to result in protein truncation, as the last 44 amino acids are lost, and other loss-of-function variants have been reported downstream in HGMD; Not observed at significant frequency in large population cohorts (gnomAD); This variant is associated with the following publications: (PMID: 34477286)

NM_002539.3(ODC1):c.1252C>T (p.Gln418Ter)

Gene: ODC1 (ornithine decarboxylase 1; minus strand). Cytogenetic location: 2p25.1.
Variant type: single nucleotide variant.
Coding change: c.1252C>T on transcript NM_002539.3 (MANE Select); coding-DNA position 1252, C replaced by T.
Protein change: p.Gln418Ter; replaces glutamine 418 with a stop codon.
Molecular consequence: nonsense.
Genome position (GRCh38, 1-based): chr2:10,440,858, G>A on the plus strand (C>T on the coding strand, the complement: ODC1 is on the minus strand). VCF-style: chr2-10440858-G-A. GRCh37 (hg19) VCF-style: chr2-10580984-G-A.
Other names: c.865C>T, p.Gln289Ter (NM_001287188.2); c.1252C>T, p.Gln418Ter (NM_001287189.2, NM_001287190.2); short protein forms Q289*, Q418*.
Identifiers: ClinVar variation 3342607 (VCV003342607.1).